The following is an entry in ClinVar:

Conditions:
Long QT syndrome 5 (LQT5). Identifiers: Orphanet 101016, Orphanet 768, MedGen C1867904, MONDO:0013372, OMIM 613695.

Submission:

Roden Lab, Vanderbilt University Medical Center
No classification provided (evidence only). Condition: Long QT syndrome 5. Review status: no classification provided. Collection method: in vitro. Allele origin: not applicable. Functional consequence: Effect on ion channel function.
ClinVar note: "not provided" was previously submitted as the classification for the variant. However, the classification appeared to be based only on an observation of functional data so it was converted to no classification on 2025-07-30.

NM_000219.6(KCNE1):c.264A>T (p.Gln88His)

Gene: KCNE1 (potassium voltage-gated channel subfamily E regulatory subunit 1; minus strand). Cytogenetic location: 21q22.12.
Variant type: single nucleotide variant.
Coding change: c.264A>T on transcript NM_000219.6 (MANE Select); coding-DNA position 264, A replaced by T.
Protein change: p.Gln88His; replaces glutamine 88 with histidine.
Molecular consequence: missense variant.
Genome position (GRCh38, 1-based): chr21:34,449,371, T>A on the plus strand (A>T on the coding strand, the complement: KCNE1 is on the minus strand). VCF-style: chr21-34449371-T-A. GRCh37 (hg19) VCF-style: chr21-35821669-T-A.
Other names: c.264A>T, p.Gln88His (NM_001127668.4, NM_001127669.4, NM_001127670.4 and 4 more transcripts); short protein forms Q88H.
Identifiers: ClinVar variation 3374478 (VCV003374478.2).